The following is an entry in ClinVar:

ClinVar aggregate classification (germline): Uncertain significance (1 of 4 stars; one submission).

Conditions:
Familial sleep-related hypermotor epilepsy. Also called: Autosomal Dominant Sleep-Related Hypermotor (Hyperkinetic) Epilepsy. Identifiers: Orphanet 98784, MedGen C3696898, MONDO:0000030.

Submission:

Labcorp Genetics (formerly Invitae), Labcorp
Classification: Uncertain significance. Last evaluated: 2023-06-10. Review status: criteria provided, single submitter. Criteria: Invitae Variant Classification Sherloc (09022015). Collection method: clinical testing. Allele origin: germline.
Comment: In summary, the available evidence is currently insufficient to determine the role of this variant in disease. Therefore, it has been classified as a Variant of Uncertain Significance. Algorithms developed to predict the effect of sequence changes on RNA splicing suggest that this variant may disrupt the consensus splice site. Advanced modeling of protein sequence and biophysical properties (such as structural, functional, and spatial information, amino acid conservation, physicochemical variation, residue mobility, and thermodynamic stability) performed at Invitae indicates that this missense variant is not expected to disrupt CHRNB2 protein function. This variant has not been reported in the literature in individuals affected with CHRNB2-related conditions. This variant is not present in population databases (gnomAD no frequency). This sequence change replaces histidine, which is basic and polar, with proline, which is neutral and non-polar, at codon 496 of the CHRNB2 protein (p.His496Pro).

NM_000748.3(CHRNB2):c.1487A>C (p.His496Pro)

Gene: CHRNB2 (cholinergic receptor nicotinic beta 2 subunit; plus strand). Cytogenetic location: 1q21.3.
Variant type: single nucleotide variant.
Coding change: c.1487A>C on transcript NM_000748.3 (MANE Select); coding-DNA position 1487, A replaced by C.
Protein change: p.His496Pro; replaces histidine 496 with proline.
Molecular consequence: missense variant.
Genome position (GRCh38, 1-based): chr1:154,575,910, A>C. VCF-style: chr1-154575910-A-C. GRCh37 (hg19) VCF-style: chr1-154548386-A-C.
Other names: short protein forms H496P.
Identifiers: ClinVar variation 2864819 (VCV002864819.3), dbSNP rs2526384821, ClinGen allele CA342633331.